The following is an entry in ClinVar:

ClinVar aggregate classification (germline): Likely benign. Review status: criteria provided, multiple submitters, no conflicts (2 of 4 stars). 2 submissions from 2 submitters: Likely benign (2). Last evaluated 2022-03-01.

Allele frequency attached by ClinVar (database versions not stated): 1000 Genomes Project 30x 0.00016; 1000 Genomes Project 0.00020; ExAC 0.00072; gnomAD exomes 0.00084 and 0.00188; TOPMed 0.00102; gnomAD 0.00121 and 0.00126; ESP Exome Variant Server 0.00163.
gnomAD v4.1: 2,833 of 1,531,638 alleles (0.18%); highest among the groups gnomAD compares: Non-Finnish European, 0.23%; 5 homozygotes.

Submissions (2):

CeGaT Center for Human Genetics Tuebingen
Classification: Likely benign. Last evaluated: 2022-03-01. Review status: criteria provided, single submitter. Criteria: CeGaT Center For Human Genetics Tuebingen Variant Classification Criteria Version 2. Collection method: clinical testing. Allele origin: germline. Affected: yes. Observed: 1 variant allele.
Comment: TNRC18: BP4, BP7

Labcorp Genetics (formerly Invitae), Labcorp
Classification: Likely benign. Last evaluated: 2019-12-31. Review status: criteria provided, single submitter. Criteria: Invitae Variant Classification Sherloc (09022015). Collection method: clinical testing. Allele origin: germline.

NM_001080495.3(TNRC18):c.7095G>A (p.Glu2365=)

Gene: TNRC18 (trinucleotide repeat containing 18; minus strand). Cytogenetic location: 7p22.1.
Variant type: single nucleotide variant.
Coding change: c.7095G>A on transcript NM_001080495.3 (MANE Select); coding-DNA position 7095, G replaced by A.
Protein change: p.Glu2365=; no amino-acid change (glutamic acid 2365 retained).
Molecular consequence: synonymous variant.
Genome position (GRCh38, 1-based): chr7:5,313,796, C>T on the plus strand (G>A on the coding strand, the complement: TNRC18 is on the minus strand). VCF-style: chr7-5313796-C-T. GRCh37 (hg19) VCF-style: chr7-5353427-C-T.
Identifiers: ClinVar variation 723040 (VCV000723040.28), dbSNP rs372993868, ClinGen allele CA4143835.